The following is an entry in ClinVar:

NM_001277115.2(DNAH11):c.11442C>T (p.His3814=)

Gene: DNAH11 (dynein axonemal heavy chain 11; plus strand). Cytogenetic location: 7p15.3.
Variant type: single nucleotide variant.
Coding change: c.11442C>T on transcript NM_001277115.2 (MANE Select); coding-DNA position 11442, C replaced by T.
Protein change: p.His3814=; no amino-acid change (histidine 3814 retained).
Molecular consequence: synonymous variant.
Genome position (GRCh38, 1-based): chr7:21,864,603, C>T. VCF-style: chr7-21864603-C-T. GRCh37 (hg19) VCF-style: chr7-21904221-C-T.
Identifiers: ClinVar variation 699139 (VCV000699139.14), dbSNP rs370056975, ClinGen allele CA4182750.
Genomic context (GRCh38, chr7:21,864,603, plus strand): 5'-GAGAAAGAAAGAGATAGACCCTCTTGAATTGGATTTCCTGCTTCGATTCACAGTTGAACA[C>T]ACTCATCTGAGTCCCGTTGACTTCCTAACTTCTCAGTCATGGAGTGCTATCAAGGTATGT-3'
Protein context (NP_001264044.1, residues 3804-3824): LDFLLRFTVE[His3814=]THLSPVDFLT

ClinVar aggregate classification (germline): Likely benign. Review status: criteria provided, multiple submitters, no conflicts (2 of 4 stars). 3 submissions from 3 submitters: Likely benign (2). 1 of the submissions does not count toward it. Last evaluated 2024-06-11.

Conditions:
Primary ciliary dyskinesia. Also called: Ciliary dyskinesia. Identifiers: Orphanet 244, MedGen C0008780, MONDO:0016575, HP:0012265.
DNAH11-related disorder. Also called: DNAH11-related condition.

Allele frequency attached by ClinVar (database versions not stated): gnomAD 0.00003; TOPMed 0.00007.
gnomAD v4.1: 25 of 1,610,640 alleles (0.0016%); highest among the groups gnomAD compares: African/African-American, 0.024%; no homozygotes.

Submissions (3):

Labcorp Genetics (formerly Invitae), Labcorp
Classification: Likely benign for Primary ciliary dyskinesia. Last evaluated: 2024-06-11. Review status: criteria provided, single submitter. Criteria: Invitae Variant Classification Sherloc (09022015). Collection method: clinical testing. Allele origin: germline.

Breakthrough Genomics
Classification: Likely benign. Review status: criteria provided, single submitter. Criteria: ACMG Guidelines, 2015. Collection method: not provided. Allele origin: germline. Inheritance: Autosomal recessive inheritance. Affected: yes.

PreventionGenetics, part of Exact Sciences
Classification: Likely benign for DNAH11-related condition. Last evaluated: 2019-02-22. Review status: no assertion criteria provided. Collection method: clinical testing. Allele origin: germline. Not counted in ClinVar's aggregate classification.
Comment: This variant is classified as likely benign based on ACMG/AMP sequence variant interpretation guidelines (Richards et al. 2015 PMID: 25741868, with internal and published modifications).